The following is an entry in ClinVar:

NM_001370658.1(BTD):c.382C>T (p.Arg128Cys)

Gene: BTD (biotinidase; plus strand). Cytogenetic location: 3p25.1.
Variant type: single nucleotide variant.
Coding change: c.382C>T on transcript NM_001370658.1 (MANE Select); coding-DNA position 382, C replaced by T.
Protein change: p.Arg128Cys; replaces arginine 128 with cysteine.
Molecular consequence: missense variant.
Genome position (GRCh38, 1-based): chr3:15,642,040, C>T. VCF-style: chr3-15642040-C-T. GRCh37 (hg19) VCF-style: chr3-15683547-C-T.
Other names: c.442C>T, p.Arg148Cys (NM_000060.4); c.382C>T, p.Arg128Cys (NM_001281723.4, NM_001281724.3, NM_001281725.3 and 36 more transcripts); c.445C>T, p.Arg149Cys (NM_001407381.1); short protein forms R128C, R149C.
Identifiers: ClinVar variation 373539 (VCV000373539.8), dbSNP rs137877018, ClinGen allele CA2277309.
Genomic context (GRCh38, chr3:15,642,040, plus strand): 5'-TTTTTGGACTTCATGCCGTCTCCCCAGGTGGTCAGGTGGAACCCATGCCTGGAGCCTCAC[C>T]GCTTCAATGACACAGAGGTGATTCCTGCCTTTTTCCTCAGTAGGCTGAGGGTACACAGAG-3'
Protein context (NP_001357587.1, residues 118-138): VRWNPCLEPH[Arg128Cys]FNDTEVLQRL

ClinVar aggregate classification (germline): Conflicting classifications of pathogenicity. Review status: criteria provided, conflicting classifications (1 of 4 stars). 5 submissions from 5 submitters: Likely pathogenic (1); Uncertain significance (3). 1 of the submissions does not count toward it. Last evaluated 2023-08-04.

Conditions:
Biotinidase deficiency. Also called: Biotin deficiency; BTD deficiency; Late-onset biotin-responsive multiple carboxylase deficiency. Identifiers: Orphanet 79241, MedGen C0220754, MONDO:0009665, OMIM 253260.

Allele frequency attached by ClinVar (database versions not stated): gnomAD 0.00010; TOPMed 0.00011; ESP Exome Variant Server 0.00015; gnomAD exomes 0.00016; ExAC 0.00029.
gnomAD v4.1: 122 of 1,614,008 alleles (0.0076%); highest among the groups gnomAD compares: African/African-American, 0.011%; 2 homozygotes.

Submissions (5):

Department of Pathology and Laboratory Medicine, Sinai Health System
Classification: Uncertain significance for Biotinidase deficiency. Last evaluated: 2023-08-04. Review status: criteria provided, single submitter. Criteria: ACMG Guidelines, 2015. Collection method: research. Allele origin: germline.

Blueprint Genetics
Classification: Uncertain significance. Last evaluated: 2023-08-03. Review status: criteria provided, single submitter. Criteria: ACMG Guidelines, 2015. Collection method: clinical testing. Allele origin: germline.

Labcorp Genetics (formerly Invitae), Labcorp
Classification: Uncertain significance for Biotinidase deficiency. Last evaluated: 2022-10-13. Review status: criteria provided, single submitter. Criteria: Invitae Variant Classification Sherloc (09022015). Collection method: clinical testing. Allele origin: germline.
Comment: This sequence change replaces arginine, which is basic and polar, with cysteine, which is neutral and slightly polar, at codon 148 of the BTD protein (p.Arg148Cys). This variant is present in population databases (rs137877018, gnomAD 0.03%). This variant has not been reported in the literature in individuals affected with BTD-related conditions. ClinVar contains an entry for this variant (Variation ID: 373539). Advanced modeling of protein sequence and biophysical properties (such as structural, functional, and spatial information, amino acid conservation, physicochemical variation, residue mobility, and thermodynamic stability) performed at Invitae indicates that this missense variant is expected to disrupt BTD protein function. In summary, the available evidence is currently insufficient to determine the role of this variant in disease. Therefore, it has been classified as a Variant of Uncertain Significance.

GeneDx
Classification: Likely pathogenic. Last evaluated: 2016-11-21. Review status: criteria provided, single submitter. Criteria: GeneDx Variant Classification (06012015). Collection method: clinical testing. Allele origin: germline. Affected: yes.
Comment: The R148C missense variant in the BTD gene has not been published as a pathogenic variant, nor has it been reported as a benign variant to our knowledge. The R148C variant was not observed with any significant frequency in approximately 6500 individuals of European and African American ancestry in the NHLBI Exome Sequencing Project. The R148C variant is a non-conservative amino acid substitution, which is likely to impact secondary protein structure as these residues differ in polarity, charge, size and/or other properties. This substitution occurs at a position that is not conserved; however, a missense variant at the same position (R148H) has been reported in association with biotinidase deficiency in the Human Gene Mutation Database and the ARUP mutation database, and missense variants in nearby residues (C143F, F149L, T152P, T152R) have also been reported in the two databases in association with biotinidase deficiency, supporting the functional importance of this region of the protein. In silico analysis is inconsistent in its predictions as to whether or not the variant is damaging to the protein structure/function; although, the majority of models predict R148C to be damaging. In summary, this variant is likely pathogenic; however, the possibility that it is benign cannot be excluded.

Counsyl
Classification: Uncertain significance for Biotinidase deficiency. Last evaluated: 2017-05-12. Review status: no assertion criteria provided. Collection method: clinical testing. Allele origin: unknown. Not counted in ClinVar's aggregate classification.